The following is an entry in ClinVar:

NM_000038.6(APC):c.2569G>T (p.Gly857Ter)

Gene: APC (APC regulator of Wnt signaling pathway; plus strand). Cytogenetic location: 5q22.2.
Variant type: single nucleotide variant.
Coding change: c.2569G>T on transcript NM_000038.6 (MANE Select); coding-DNA position 2569, G replaced by T.
Protein change: p.Gly857Ter; replaces glycine 857 with a stop codon.
Molecular consequence: nonsense. On other transcripts: non-coding transcript variant (2).
Genome position (GRCh38, 1-based): chr5:112,838,163, G>T. VCF-style: chr5-112838163-G-T. GRCh37 (hg19) VCF-style: chr5-112173860-G-T.
Other names: c.2266G>T, p.Gly756Ter (NM_001407460.1, NM_001354903.2, NM_001407458.1 and 1 more transcripts); c.2182G>T, p.Gly728Ter (NM_001407467.1, NM_001407469.1); c.1720G>T, p.Gly574Ter (NM_001407470.1, NM_001354906.2); c.1417G>T, p.Gly473Ter (NM_001407471.1, NM_001407472.1); c.2569G>T, p.Gly857Ter (NM_001127510.3, NM_001354895.2, NM_001407450.1); c.2515G>T, p.Gly839Ter (NM_001127511.3); c.2623G>T, p.Gly875Ter (NM_001354896.2, NM_001407447.1, NM_001407448.1 and 1 more transcripts); c.2599G>T, p.Gly867Ter (NM_001354897.2); and 11 more; short protein forms G473*, G697*, G728*, G731*, G756*, G774*, G857*, G832*.
Identifiers: ClinVar variation 3727564 (VCV003727564.2).

ClinVar aggregate classification (germline): Pathogenic (1 of 4 stars; one submission).

Conditions:
Familial adenomatous polyposis 1 (FAP1). Also called: FAMILIAL ADENOMATOUS POLYPOSIS 1, ATTENUATED; POLYPOSIS, ADENOMATOUS INTESTINAL. Identifiers: MedGen C2713442, MONDO:0021056, OMIM 175100. Disease mechanism: loss of function.

Submission:

Labcorp Genetics (formerly Invitae), Labcorp
Classification: Pathogenic for Familial adenomatous polyposis 1. Last evaluated: 2024-12-18. Review status: criteria provided, single submitter. Criteria: Invitae Variant Classification Sherloc (09022015). Collection method: clinical testing. Allele origin: germline.
Comment: This sequence change creates a premature translational stop signal (p.Gly857*) in the APC gene. While this is not anticipated to result in nonsense mediated decay, it is expected to disrupt the last 1987 amino acid(s) of the APC protein. This variant is not present in population databases (gnomAD no frequency). This variant has not been reported in the literature in individuals affected with APC-related conditions. This variant is expected to disrupt the EB1 and HDLG binding sites, which mediate interactions with the cytoskeleton (PMID: 15311282, 17293347). While functional studies have not been performed to directly test the effect on APC protein function, this suggests that disruption of the C-terminal portion of the protein is functionally important. A different truncation (p.Tyr2645Lysfs*14) that lies downstream of this variant has been determined to be pathogenic (PMID: 9824584, 1316610, 27081525, 8381579, 22135120, internal data). This suggests that deletion of this region of the APC protein is causative of disease. For these reasons, this variant has been classified as Pathogenic.

Literature cited by the submitters: PubMed 15311282; PubMed 17293347; PubMed 9824584; PubMed 1316610; PubMed 27081525; PubMed 8381579; PubMed 22135120.